The following is an entry in ClinVar:

ClinVar aggregate classification (germline): Uncertain significance (1 of 4 stars; one submission).

Submission:

Greenwood Genetic Center Diagnostic Laboratories, Greenwood Genetic Center
Classification: Uncertain significance. Last evaluated: 2026-05-20. Review status: criteria provided, single submitter. Criteria: ACMG Guidelines, 2015. Collection method: clinical testing. Allele origin: germline.
Comment: PM2, BP4, PP2

NM_002332.3(LRP1):c.5485C>G (p.Leu1829Val)

Gene: LRP1 (LDL receptor related protein 1; plus strand). Cytogenetic location: 12q13.3.
Variant type: single nucleotide variant.
Coding change: c.5485C>G on transcript NM_002332.3 (MANE Select); coding-DNA position 5485, C replaced by G.
Protein change: p.Leu1829Val; replaces leucine 1829 with valine.
Molecular consequence: missense variant.
Genome position (GRCh38, 1-based): chr12:57,180,765, C>G. VCF-style: chr12-57180765-C-G. GRCh37 (hg19) VCF-style: chr12-57574548-C-G.
Other names: short protein forms L1829V.
Identifiers: ClinVar variation 4891091 (VCV004891091.1).